The following is an entry in ClinVar:

ClinVar aggregate classification (germline): Conflicting classifications of pathogenicity. Review status: criteria provided, conflicting classifications (1 of 4 stars). 6 submissions from 6 submitters: Uncertain significance (2); Likely benign (4). Last evaluated 2025-04-20.

Conditions:
Connective tissue disorder. Also called: Connective tissue disease. Identifiers: MedGen C0009782, MONDO:0003900.
HSPG2-related disorder. Also called: HSPG2-related disorders; HSPG2-related condition.

Allele frequency attached by ClinVar (database versions not stated): gnomAD exomes 0.00009 and 0.00028; ExAC 0.00036; gnomAD 0.00097 and 0.00101; ESP Exome Variant Server 0.00100; TOPMed 0.00126; 1000 Genomes Project 30x 0.00172; 1000 Genomes Project 0.00180.
gnomAD v4.1: 293 of 1,613,988 alleles (0.018%); highest among the groups gnomAD compares: African/African-American, 0.26%; 2 homozygotes.

Submissions (6):

PreventionGenetics, part of Exact Sciences
Classification: Likely benign for HSPG2-related condition. Last evaluated: 2025-04-20. Review status: criteria provided, single submitter. Criteria: ACMG Guidelines, 2015. Collection method: clinical testing. Allele origin: germline.
Comment: This variant is classified as likely benign based on ACMG/AMP sequence variant interpretation guidelines (Richards et al. 2015 PMID: 25741868, with internal and published modifications).

Blueprint Genetics
Classification: Likely benign. Last evaluated: 2024-09-13. Review status: criteria provided, single submitter. Criteria: ACMG Guidelines, 2015. Collection method: clinical testing. Allele origin: germline.

GeneDx
Classification: Likely benign. Last evaluated: 2020-07-10. Review status: criteria provided, single submitter. Criteria: GeneDx Variant Classification Process June 2021. Collection method: clinical testing. Allele origin: germline. Affected: yes.

Revvity Omics, Revvity
Classification: Uncertain significance. Last evaluated: 2019-10-09. Review status: criteria provided, single submitter. Criteria: ACMG Guidelines, 2015. Collection method: clinical testing. Allele origin: germline.

Genome Diagnostics Laboratory, The Hospital for Sick Children
Classification: Uncertain significance for Connective tissue disorder. Last evaluated: 2019-02-01. Review status: criteria provided, single submitter. Criteria: ACMG Guidelines, 2015. Collection method: clinical testing. Allele origin: germline.

Breakthrough Genomics
Classification: Likely benign. Review status: criteria provided, single submitter. Criteria: ACMG Guidelines, 2015. Collection method: not provided. Allele origin: germline. Inheritance: Autosomal recessive inheritance. Affected: yes.

NM_005529.7(HSPG2):c.745G>A (p.Val249Met)

Gene: HSPG2 (heparan sulfate proteoglycan 2; minus strand). Cytogenetic location: 1p36.12.
Variant type: single nucleotide variant.
Coding change: c.745G>A on transcript NM_005529.7 (MANE Select); coding-DNA position 745, G replaced by A.
Protein change: p.Val249Met; replaces valine 249 with methionine.
Molecular consequence: missense variant.
Genome position (GRCh38, 1-based): chr1:21,887,633, C>T on the plus strand (G>A on the coding strand, the complement: HSPG2 is on the minus strand). VCF-style: chr1-21887633-C-T. GRCh37 (hg19) VCF-style: chr1-22214126-C-T.
Other names: c.745G>A, p.Val249Met (NM_001291860.2); short protein forms V249M.
Identifiers: ClinVar variation 1202488 (VCV001202488.12), dbSNP rs148066529, ClinGen allele CA673718.